The following is an entry in ClinVar:

NM_017654.4(SAMD9):c.962T>G (p.Phe321Cys)

Gene: SAMD9 (sterile alpha motif domain containing 9; minus strand). Cytogenetic location: 7q21.2.
Variant type: single nucleotide variant.
Coding change: c.962T>G on transcript NM_017654.4 (MANE Select); coding-DNA position 962, T replaced by G.
Protein change: p.Phe321Cys; replaces phenylalanine 321 with cysteine.
Molecular consequence: missense variant.
Genome position (GRCh38, 1-based): chr7:93,105,136, A>C on the plus strand (T>G on the coding strand, the complement: SAMD9 is on the minus strand). VCF-style: chr7-93105136-A-C. GRCh37 (hg19) VCF-style: chr7-92734449-A-C.
Other names: c.962T>G, p.Phe321Cys (NM_001193307.2); short protein forms F321C.
Identifiers: ClinVar variation 3636750 (VCV003636750.2).

ClinVar aggregate classification (germline): Uncertain significance (1 of 4 stars; one submission).

Submission:

Labcorp Genetics (formerly Invitae), Labcorp
Classification: Uncertain significance. Last evaluated: 2024-02-01. Review status: criteria provided, single submitter. Criteria: Invitae Variant Classification Sherloc (09022015). Collection method: clinical testing. Allele origin: germline.
Comment: This sequence change replaces phenylalanine, which is neutral and non-polar, with cysteine, which is neutral and slightly polar, at codon 321 of the SAMD9 protein (p.Phe321Cys). This variant is not present in population databases (gnomAD no frequency). This variant has not been reported in the literature in individuals affected with SAMD9-related conditions. Advanced modeling of protein sequence and biophysical properties (such as structural, functional, and spatial information, amino acid conservation, physicochemical variation, residue mobility, and thermodynamic stability) has been performed at Invitae for this missense variant, however the output from this modeling did not meet the statistical confidence thresholds required to predict the impact of this variant on SAMD9 protein function. In summary, the available evidence is currently insufficient to determine the role of this variant in disease. Therefore, it has been classified as a Variant of Uncertain Significance.